The following is an entry in ClinVar:

NM_004369.4(COL6A3):c.2144C>G (p.Ser715Trp)

Gene: COL6A3 (collagen type VI alpha 3 chain; minus strand). Cytogenetic location: 2q37.3.
Variant type: single nucleotide variant.
Coding change: c.2144C>G on transcript NM_004369.4 (MANE Select); coding-DNA position 2144, C replaced by G.
Protein change: p.Ser715Trp; replaces serine 715 with tryptophan.
Molecular consequence: missense variant. On other transcripts: intron variant (1).
Genome position (GRCh38, 1-based): chr2:237,378,989, G>C on the plus strand (C>G on the coding strand, the complement: COL6A3 is on the minus strand). VCF-style: chr2-237378989-G-C. GRCh37 (hg19) VCF-style: chr2-238287632-G-C.
Other names: c.923C>G, p.Ser308Trp (NM_057164.5); c.1526C>G, p.Ser509Trp (NM_057165.5, NM_057167.4); c.677-1645C>G (NM_057166.5); short protein forms S308W, S509W, S715W.
Identifiers: ClinVar variation 2805388 (VCV002805388.4), dbSNP rs780115806, ClinGen allele CA2189474.
Genomic context (GRCh38, chr2:237,378,989, plus strand): 5'-CCAGCTTCCGTGAAGTGGTTGGCATAGACATAGCTTAGGGCTGAGCCTGTGTTCAGGCCC[G>C]AACCTCCCTGGAGCTGCAGCTGCCTCAGATGACCAAGGATATCTGACTTGGTCTGGTATG-3'
Protein context (NP_004360.2, residues 705-725): HLRQLQLQGG[Ser715Trp]GLNTGSALSY

ClinVar aggregate classification (germline): Conflicting classifications of pathogenicity. Review status: criteria provided, conflicting classifications (1 of 4 stars). 2 submissions from 2 submitters: Uncertain significance (1); Likely benign (1). Last evaluated 2024-05-14.

Conditions:
Bethlem myopathy 1A. Also called: Bethlem myopathy 1; MYOPATHY, BENIGN CONGENITAL, WITH CONTRACTURES; Bethlem Muscular Dystrophy. Identifiers: Orphanet 610, MedGen CN029274, MONDO:0024530, OMIM 158810.

gnomAD v4.1: 2 of 1,614,156 alleles (0.00012%); highest among the groups gnomAD compares: South Asian, 0.0022%; no homozygotes.

Submissions (2):

GeneDx
Classification: Uncertain significance. Last evaluated: 2024-05-14. Review status: criteria provided, single submitter. Criteria: GeneDx Variant Classification Process June 2021. Collection method: clinical testing. Allele origin: germline. Affected: yes.
Comment: Not observed at significant frequency in large population cohorts (gnomAD); In silico analysis supports that this missense variant has a deleterious effect on protein structure/function; Has not been previously published as pathogenic or benign to our knowledge

Labcorp Genetics (formerly Invitae), Labcorp
Classification: Likely benign for Bethlem myopathy 1A. Last evaluated: 2023-11-24. Review status: criteria provided, single submitter. Criteria: Invitae Variant Classification Sherloc (09022015). Collection method: clinical testing. Allele origin: germline.